The following is an entry in ClinVar:

ClinVar aggregate classification (germline): Uncertain significance. Review status: criteria provided, multiple submitters, no conflicts (2 of 4 stars). 2 submissions from 2 submitters: Uncertain significance (2). Last evaluated 2024-02-21.

Conditions:
Pitt-Hopkins syndrome (PTHS). Also called: ENCEPHALOPATHY, SEVERE EPILEPTIC, WITH AUTONOMIC DYSFUNCTION; MENTAL RETARDATION, SYNDROMAL, WITH INTERMITTENT HYPERVENTILATION. Identifiers: Orphanet 2896, MedGen C1970431, MONDO:0012589, OMIM 610954.
Inborn genetic diseases. Identifiers: MedGen C0950123, MeSH D030342.

Submissions (2):

Labcorp Genetics (formerly Invitae), Labcorp
Classification: Uncertain significance for Pitt-Hopkins syndrome. Last evaluated: 2024-02-21. Review status: criteria provided, single submitter. Criteria: Invitae Variant Classification Sherloc (09022015). Collection method: clinical testing. Allele origin: germline.
Comment: This sequence change replaces serine, which is neutral and polar, with glycine, which is neutral and non-polar, at codon 305 of the TCF4 protein (p.Ser305Gly). This variant is not present in population databases (gnomAD no frequency). This variant has not been reported in the literature in individuals affected with TCF4-related conditions. ClinVar contains an entry for this variant (Variation ID: 2240625). Advanced modeling of protein sequence and biophysical properties (such as structural, functional, and spatial information, amino acid conservation, physicochemical variation, residue mobility, and thermodynamic stability) performed at Invitae indicates that this missense variant is not expected to disrupt TCF4 protein function with a negative predictive value of 95%. In summary, the available evidence is currently insufficient to determine the role of this variant in disease. Therefore, it has been classified as a Variant of Uncertain Significance.

Ambry Genetics
Classification: Uncertain significance for Inborn genetic diseases. Last evaluated: 2021-08-02. Review status: criteria provided, single submitter. Criteria: Ambry Variant Classification Scheme 2023. Collection method: clinical testing. Allele origin: germline.

NM_001083962.2(TCF4):c.913A>G (p.Ser305Gly)

Genes: TCF4 (transcription factor 4; minus strand), LOC126862757 (CDK7 strongly-dependent group 2 enhancer GRCh37_chr18:52936433-52937632; plus strand). Cytogenetic location: 18q21.2.
Variant type: single nucleotide variant.
Coding change: c.913A>G on transcript NM_001083962.2 (MANE Select); coding-DNA position 913, A replaced by G.
Protein change: p.Ser305Gly; replaces serine 305 with glycine.
Molecular consequence: missense variant.
Genome position (GRCh38, 1-based): chr18:55,269,840, T>C on the plus strand (A>G on the coding strand, the complement: TCF4 is on the minus strand). VCF-style: chr18-55269840-T-C. GRCh37 (hg19) VCF-style: chr18-52937071-T-C.
Other names: c.1219A>G, p.Ser407Gly (NM_001243226.3); c.841A>G, p.Ser281Gly (NM_001243227.2, NM_001306207.1, NM_001369575.1 and 9 more transcripts); c.931A>G, p.Ser311Gly (NM_001243228.2); c.907A>G, p.Ser303Gly (NM_001243230.2); c.787A>G, p.Ser263Gly (NM_001243231.2, NM_001348211.2); c.700A>G, p.Ser234Gly (NM_001243232.1, NM_001306208.1); c.523A>G, p.Ser175Gly (NM_001243233.2, NM_001330605.3, NM_001348212.2 and 1 more transcripts); c.433A>G, p.Ser145Gly (NM_001243234.2, NM_001243235.2, NM_001243236.2 and 2 more transcripts); and 4 more; short protein forms S175G, S304G, S145G, S280G, S303G, S311G, S407G, S234G.
Identifiers: ClinVar variation 2240625 (VCV002240625.4), dbSNP rs2512488990, ClinGen allele CA402701102.